The following is an entry in ClinVar:

ClinVar aggregate classification (germline): Benign/Likely benign. Review status: criteria provided, multiple submitters, no conflicts (2 of 4 stars). 7 submissions from 7 submitters: Benign (1); Likely benign (5). 1 of the submissions does not count toward it. Last evaluated 2026-06-04.

Conditions:
SOS2-related disorder. Also called: SOS2-related condition.
Noonan syndrome 9 (NS9). Identifiers: Orphanet 648, MedGen C4225282, MONDO:0014691, OMIM 616559.

Allele frequency attached by ClinVar (database versions not stated): ExAC 0.00013; ESP Exome Variant Server 0.00015; gnomAD exomes 0.00016 and 0.00023; gnomAD 0.00017 and 0.00020; TOPMed 0.00018.
gnomAD v4.1: 356 of 1,613,976 alleles (0.022%); highest among the groups gnomAD compares: Non-Finnish European, 0.028%; no homozygotes.

Submissions (7):

Women's Health and Genetics/Laboratory Corporation of America, LabCorp
Classification: Likely benign. Last evaluated: 2026-06-04. Review status: criteria provided, single submitter. Criteria: LabCorp Variant Classification Summary - May 2015. Collection method: clinical testing. Allele origin: germline.
Comment: Variant summary: SOS2 c.3769A>G (p.Asn1257Asp) results in a conservative amino acid change in the encoded protein sequence. Algorithms developed to predict the effect of missense changes on protein structure and function are either unavailable or do not agree on the potential impact of this missense change. The variant allele was found at a frequency of 0.00016 in 251484 control chromosomes, predominantly at a frequency of 0.00033 within the Non-Finnish European subpopulation in the gnomAD database. The observed variant frequency within Non-Finnish European control individuals in the gnomAD database exceeds the estimated maximal expected allele frequency for disease-causing variants in SOS2. c.3769A>G has been reported in the literature in at least an individual affected with Noonan Syndrome (Cordeddu_2015). This report however, does not provide unequivocal conclusions about association of the variant with Noonan Syndrome. To our knowledge, no experimental evidence demonstrating an impact on protein function has been reported. The following publications have been ascertained in the context of this evaluation (PMID: 26173643, 27920155). ClinVar contains an entry for this variant (Variation ID: 542399). Based on the evidence outlined above, the variant was classified as likely benign.

Labcorp Genetics (formerly Invitae), Labcorp
Classification: Likely benign for Noonan syndrome 9. Last evaluated: 2026-01-26. Review status: criteria provided, single submitter. Criteria: Invitae Variant Classification Sherloc (09022015). Collection method: clinical testing. Allele origin: germline.

CeGaT Center for Human Genetics Tuebingen
Classification: Likely benign. Last evaluated: 2026-01-01. Review status: criteria provided, single submitter. Criteria: CeGaT Center For Human Genetics Tuebingen Variant Classification Criteria Version 2. Collection method: clinical testing. Allele origin: germline. Affected: yes. Observed: 2 variant alleles.
Comment: SOS2: BP4

Laboratory of Genetics, Children's Clinical University Hospital Latvia
Classification: Benign. Last evaluated: 2025-02-16. Review status: criteria provided, single submitter. Criteria: ACMG Guidelines, 2015. Collection method: clinical testing. Allele origin: germline. Affected: yes.

Blueprint Genetics
Classification: Likely benign. Last evaluated: 2024-07-11. Review status: criteria provided, single submitter. Criteria: ACMG Guidelines, 2015. Collection method: clinical testing. Allele origin: germline.

Genome-Nilou Lab
Classification: Likely benign for Noonan syndrome 9. Review status: criteria provided, single submitter. Criteria: ACMG Guidelines, 2015. Collection method: clinical testing. Allele origin: germline.

PreventionGenetics, part of Exact Sciences
Classification: Likely benign for SOS2-related condition. Last evaluated: 2022-10-27. Review status: no assertion criteria provided. Collection method: clinical testing. Allele origin: germline. Not counted in ClinVar's aggregate classification.
Comment: This variant is classified as likely benign based on ACMG/AMP sequence variant interpretation guidelines (Richards et al. 2015 PMID: 25741868, with internal and published modifications).

Literature cited by the submitters: PubMed 26173643 (cited by Women's Health and Genetics/Laboratory Corporation of America, LabCorp); PubMed 27920155 (cited by Women's Health and Genetics/Laboratory Corporation of America, LabCorp).

NM_006939.4(SOS2):c.3769A>G (p.Asn1257Asp)

Gene: SOS2 (SOS Ras/Rho guanine nucleotide exchange factor 2; minus strand). Cytogenetic location: 14q21.3.
Variant type: single nucleotide variant.
Coding change: c.3769A>G on transcript NM_006939.4 (MANE Select); coding-DNA position 3769, A replaced by G.
Protein change: p.Asn1257Asp; replaces asparagine 1257 with aspartic acid.
Molecular consequence: missense variant.
Genome position (GRCh38, 1-based): chr14:50,118,574, T>C on the plus strand (A>G on the coding strand, the complement: SOS2 is on the minus strand). VCF-style: chr14-50118574-T-C. GRCh37 (hg19) VCF-style: chr14-50585292-T-C.
Other names: short protein forms N1257D.
Identifiers: ClinVar variation 542399 (VCV000542399.44), dbSNP rs150393358, ClinGen allele CA7176709.
Genomic context (GRCh38, chr14:50,118,574, plus strand): 5'-GCACATAGCATCGACGCGGTACCCTTGGAGAGGGTGTGCTAGGAGGAGTGCTTGGCGAAT[T>C]TGGACACGTACTAATGTCTCTGAGCCAGTCTGAATCTCTGTGAAGATGCCCCAGTGGAGG-3'
Protein context (NP_008870.2, residues 1247-1267): DWLRDISTCP[Asn1257Asp]SPSTPPSTPS